The following is an entry in ClinVar:

ClinVar aggregate classification (germline): Uncertain significance. Review status: criteria provided, multiple submitters, no conflicts (2 of 4 stars). 2 submissions from 2 submitters: Uncertain significance (2). Last evaluated 2023-03-22.

Conditions:
PALLD-related disorder. Also called: PALLD-related condition.

Allele frequency attached by ClinVar (database versions not stated): gnomAD exomes below 0.00001; gnomAD 0.00001; TOPMed 0.00001.
gnomAD v4.1: 6 of 1,610,866 alleles (0.00037%); highest among the groups gnomAD compares: African/African-American, 0.0013%; no homozygotes.

Submissions (2):

Ambry Genetics
Classification: Uncertain significance. Last evaluated: 2023-03-22. Review status: criteria provided, single submitter. Criteria: Ambry Variant Classification Scheme 2023. Collection method: clinical testing. Allele origin: germline.

PreventionGenetics, part of Exact Sciences
Classification: Uncertain significance for PALLD-related condition. Last evaluated: 2022-09-08. Review status: criteria provided, single submitter. Criteria: ACMG Guidelines, 2015. Collection method: clinical testing. Allele origin: germline.
Comment: The PALLD c.1541A>G variant is predicted to result in the amino acid substitution p.Glu514Gly. To our knowledge, this variant has not been reported in the literature or in a large population database, indicating this variant is rare. It is absent from ClinVar. At this time, the clinical significance of this variant is uncertain due to the absence of conclusive functional and genetic evidence.

NM_001166108.2(PALLD):c.1541A>G (p.Glu514Gly)

Gene: PALLD (palladin, cytoskeletal associated protein; plus strand). Cytogenetic location: 4q32.3.
Variant type: single nucleotide variant.
Coding change: c.1541A>G on transcript NM_001166108.2 (MANE Select); coding-DNA position 1541, A replaced by G.
Protein change: p.Glu514Gly; replaces glutamic acid 514 with glycine.
Molecular consequence: missense variant.
Genome position (GRCh38, 1-based): chr4:168,709,067, A>G. VCF-style: chr4-168709067-A-G. GRCh37 (hg19) VCF-style: chr4-169630218-A-G.
Other names: c.395A>G, p.Glu132Gly (NM_001166109.2); c.1541A>G, p.Glu514Gly (NM_016081.4); c.1541A>G (NM_016081.3); short protein forms E514G, E132G.
Identifiers: ClinVar variation 2528549 (VCV002528549.3), dbSNP rs1486128001, ClinGen allele CA358797440.